The following is an entry in ClinVar:

NM_001077365.2(POMT1):c.1667del (p.Asn556fs)

Gene: POMT1 (protein O-mannosyltransferase 1; plus strand). Cytogenetic location: 9q34.13.
Variant type: Deletion.
Coding change: c.1667del on transcript NM_001077365.2 (MANE Select); coding-DNA position 1667, one base deleted (A; older notation c.1667delA).
Protein change: p.Asn556fs; shifts the reading frame from asparagine 556.
Molecular consequence: frameshift variant. On other transcripts: non-coding transcript variant (10).
Genome position (GRCh38, 1-based): chr9:131,520,162, A deleted; the last of 2 consecutive A bases (chr9:131,520,161-131,520,162); deleting either gives the same sequence. VCF-style (leftmost placement, unchanged base first): chr9-131520160-CA-C. GRCh37 (hg19) VCF-style: chr9-134395547-CA-C.
Other names: c.1505del, p.Asn502fs (NM_001077366.2, NM_001353194.2); c.1667del, p.Asn556fs (NM_001136113.2); c.1316del, p.Asn439fs (NM_001136114.2, NM_001374691.1, NM_001374692.1 and 2 more transcripts); c.1277del, p.Asn426fs (NM_001374695.1); c.536del, p.Asn179fs (NM_001411024.1); c.1733del, p.Asn578fs (NM_007171.4, NM_001353193.2); c.1577del, p.Asn526fs (NM_001353196.2); c.1571del, p.Asn524fs (NM_001353197.2, NM_001353198.2); and 4 more; short protein forms N426fs, N483fs, N526fs, N556fs, N578fs, N439fs, N461fs, N524fs.
Identifiers: ClinVar variation 2946459 (VCV002946459.3), dbSNP rs2539418643, ClinGen allele CA2692217839.

ClinVar aggregate classification (germline): Pathogenic (1 of 4 stars; one submission).

Conditions:
Walker-Warburg congenital muscular dystrophy. Also called: Muscular dystrophy-dystroglycanopathy, type A; Walker-Warburg syndrome. Identifiers: Orphanet 899, MedGen C0265221, MONDO:0000171.
Muscular dystrophy-dystroglycanopathy (congenital with impaired intellectual development), type B, 1. Also called: MUSCULAR DYSTROPHY, CONGENITAL, POMT1-RELATED; Muscular dystrophy-dystroglycanopathy (congenital with intellectual disability), type B1. Identifiers: MedGen C5436962, MONDO:0013159, OMIM 613155.
Autosomal recessive limb-girdle muscular dystrophy type 2K. Also called: MUSCULAR DYSTROPHY-DYSTROGLYCANOPATHY (LIMB-GIRDLE), TYPE C, 1; MUSCULAR DYSTROPHY, LIMB-GIRDLE, TYPE 2K. Identifiers: Orphanet 86812, MedGen C1836373, MONDO:0012248, OMIM 609308.

Submission:

Labcorp Genetics (formerly Invitae), Labcorp
Classification: Pathogenic for Muscular dystrophy-dystroglycanopathy (congenital with impaired intellectual development), type B, 1; Walker-Warburg congenital muscular dystrophy; Autosomal recessive limb-girdle muscular dystrophy type 2K. Last evaluated: 2023-04-09. Review status: criteria provided, single submitter. Criteria: Invitae Variant Classification Sherloc (09022015). Collection method: clinical testing. Allele origin: germline.
Comment: For these reasons, this variant has been classified as Pathogenic. This variant has not been reported in the literature in individuals affected with POMT1-related conditions. This variant is not present in population databases (gnomAD no frequency). This sequence change creates a premature translational stop signal (p.Asn578Ilefs*20) in the POMT1 gene. It is expected to result in an absent or disrupted protein product. Loss-of-function variants in POMT1 are known to be pathogenic (PMID: 12369018, 15637732, 16575835).

Literature cited by the submitters: PubMed 12369018; PubMed 15637732; PubMed 16575835.